The following is an entry in ClinVar:

ClinVar aggregate classification (germline): Uncertain significance (1 of 4 stars; one submission).

gnomAD v4.1: 1 of 1,614,064 alleles (0.000062%); highest among the groups gnomAD compares: Non-Finnish European, 0.000085%; no homozygotes.

Submission:

CeGaT Center for Human Genetics Tuebingen
Classification: Uncertain significance. Last evaluated: 2024-06-01. Review status: criteria provided, single submitter. Criteria: CeGaT Center For Human Genetics Tuebingen Variant Classification Criteria Version 2. Collection method: clinical testing. Allele origin: germline. Affected: yes. Observed: 1 variant allele.
Comment: COL12A1: PM2, BP4

NM_004370.6(COL12A1):c.2698A>G (p.Thr900Ala)

Gene: COL12A1 (collagen type XII alpha 1 chain; minus strand). Cytogenetic location: 6q13.
Variant type: single nucleotide variant.
Coding change: c.2698A>G on transcript NM_004370.6 (MANE Select); coding-DNA position 2698, A replaced by G.
Protein change: p.Thr900Ala; replaces threonine 900 with alanine.
Molecular consequence: missense variant. On other transcripts: intron variant (3).
Genome position (GRCh38, 1-based): chr6:75,175,050, T>C on the plus strand (A>G on the coding strand, the complement: COL12A1 is on the minus strand). VCF-style: chr6-75175050-T-C. GRCh37 (hg19) VCF-style: chr6-75884766-T-C.
Other names: c.2698A>G, p.Thr900Ala (NM_001424113.1, NM_001424114.1); c.74-22568A>G (NM_001424116.1, NM_080645.3); c.2437+2613A>G (NM_001424115.1); short protein forms T900A.
Identifiers: ClinVar variation 3251096 (VCV003251096.18), dbSNP rs1236334371.